The following is an entry in ClinVar:

ClinVar aggregate classification (germline): Uncertain significance. Review status: criteria provided, multiple submitters, no conflicts (2 of 4 stars). 2 submissions from 2 submitters: Uncertain significance (2). Last evaluated 2025-02-13.

Conditions:
Inborn genetic diseases. Identifiers: MedGen C0950123, MeSH D030342.
Congenital myasthenic syndrome 4A. Also called: Myasthenic syndrome, congenital, 4a, slow-channel; CONGENITAL MYASTHENIC SYNDROME TYPE Ia1; MYASTHENIC SYNDROME, CONGENITAL, 4A, SLOW-CHANNEL, AUTOSOMAL RECESSIVE. Identifiers: Orphanet 590, MedGen C4225413, MONDO:0011600, OMIM 605809.

Allele frequency attached by ClinVar (database versions not stated): gnomAD exomes below 0.00001 and 0.00001; TOPMed below 0.00001; gnomAD 0.00001.
gnomAD v4.1: 11 of 1,593,506 alleles (0.00069%); highest among the groups gnomAD compares: African/African-American, 0.0013%; no homozygotes.

Submissions (2):

Ambry Genetics
Classification: Uncertain significance for Inborn genetic diseases. Last evaluated: 2025-02-13. Review status: criteria provided, single submitter. Criteria: Ambry Variant Classification Scheme 2023. Collection method: clinical testing. Allele origin: germline.

Labcorp Genetics (formerly Invitae), Labcorp
Classification: Uncertain significance for Congenital myasthenic syndrome 4A. Last evaluated: 2024-12-24. Review status: criteria provided, single submitter. Criteria: Invitae Variant Classification Sherloc (09022015). Collection method: clinical testing. Allele origin: germline.
Comment: This sequence change replaces isoleucine, which is neutral and non-polar, with threonine, which is neutral and polar, at codon 457 of the CHRNE protein (p.Ile457Thr). This variant is present in population databases (no rsID available, gnomAD 0.005%). This variant has not been reported in the literature in individuals affected with CHRNE-related conditions. ClinVar contains an entry for this variant (Variation ID: 1358733). Invitae Evidence Modeling of protein sequence and biophysical properties (such as structural, functional, and spatial information, amino acid conservation, physicochemical variation, residue mobility, and thermodynamic stability) indicates that this missense variant is not expected to disrupt CHRNE protein function with a negative predictive value of 80%. In summary, the available evidence is currently insufficient to determine the role of this variant in disease. Therefore, it has been classified as a Variant of Uncertain Significance.

NM_000080.4(CHRNE):c.1370T>C (p.Ile457Thr)

Gene: CHRNE (cholinergic receptor nicotinic epsilon subunit; minus strand). Cytogenetic location: 17p13.2.
Variant type: single nucleotide variant.
Coding change: c.1370T>C on transcript NM_000080.4 (MANE Select); coding-DNA position 1370, T replaced by C.
Protein change: p.Ile457Thr; replaces isoleucine 457 with threonine.
Molecular consequence: missense variant.
Genome position (GRCh38, 1-based): chr17:4,898,848, A>G on the plus strand (T>C on the coding strand, the complement: CHRNE is on the minus strand). VCF-style: chr17-4898848-A-G. GRCh37 (hg19) VCF-style: chr17-4802143-A-G.
Other names: c.1370T>C (NM_000080.3); short protein forms I457T.
Identifiers: ClinVar variation 1358733 (VCV001358733.6), dbSNP rs1361578187, ClinGen allele CA397297752.
Genomic context (GRCh38, chr17:4,898,848, plus strand): 5'-GCCCCGAGGAAGATGAGGCTGGAGCCCACGCTGAAGAGCACCAGAGCGGCCCAGAAGCAG[A>G]TGTTGTCAAGGGCATTCCCCATGCGCACCCAGTCGGACACTTCCTGGGGAAGGGTCGGCA-3'
Protein context (NP_000071.1, residues 447-467): WVRMGNALDN[Ile457Thr]CFWAALVLFS